The following is an entry in ClinVar:

NM_001845.6(COL4A1):c.2443C>A (p.Pro815Thr)

Gene: COL4A1 (collagen type IV alpha 1 chain; minus strand). Cytogenetic location: 13q34.
Variant type: single nucleotide variant.
Coding change: c.2443C>A on transcript NM_001845.6 (MANE Select); coding-DNA position 2443, C replaced by A.
Protein change: p.Pro815Thr; replaces proline 815 with threonine.
Molecular consequence: missense variant.
Genome position (GRCh38, 1-based): chr13:110,178,938, G>T on the plus strand (C>A on the coding strand, the complement: COL4A1 is on the minus strand). VCF-style: chr13-110178938-G-T. GRCh37 (hg19) VCF-style: chr13-110831285-G-T.
Other names: c.2443C>A (NM_001845.4); short protein forms P815T.
Identifiers: ClinVar variation 2079736 (VCV002079736.8), dbSNP rs1878013970, ClinGen allele CA388668281.

ClinVar aggregate classification (germline): Uncertain significance. Review status: criteria provided, multiple submitters, no conflicts (2 of 4 stars). 3 submissions from 3 submitters: Uncertain significance (3). Last evaluated 2025-11-16.

Conditions:
Inborn genetic diseases. Identifiers: MedGen C0950123, MeSH D030342.

Allele frequency attached by ClinVar (database versions not stated): gnomAD exomes below 0.00001; TOPMed 0.00002.
gnomAD v4.1: 1 of 1,611,636 alleles (0.000062%); highest among the groups gnomAD compares: Admixed American, 0.0017%; no homozygotes.

Submissions (3):

Labcorp Genetics (formerly Invitae), Labcorp
Classification: Uncertain significance. Last evaluated: 2025-11-16. Review status: criteria provided, single submitter. Criteria: Invitae Variant Classification Sherloc (09022015). Collection method: clinical testing. Allele origin: germline.
Comment: This sequence change replaces proline, which is neutral and non-polar, with threonine, which is neutral and polar, at codon 815 of the COL4A1 protein (p.Pro815Thr). This variant is not present in population databases (gnomAD no frequency). This variant has not been reported in the literature in individuals affected with COL4A1-related conditions. ClinVar contains an entry for this variant (Variation ID: 2079736). Invitae Evidence Modeling of protein sequence and biophysical properties (such as structural, functional, and spatial information, amino acid conservation, physicochemical variation, residue mobility, and thermodynamic stability) indicates that this missense variant is not expected to disrupt COL4A1 protein function with a negative predictive value of 95%. In summary, the available evidence is currently insufficient to determine the role of this variant in disease. Therefore, it has been classified as a Variant of Uncertain Significance.

Ambry Genetics
Classification: Uncertain significance for Inborn genetic diseases. Last evaluated: 2025-08-10. Review status: criteria provided, single submitter. Criteria: Ambry Variant Classification Scheme 2023. Collection method: clinical testing. Allele origin: germline.

Revvity Omics, Revvity
Classification: Uncertain significance. Last evaluated: 2021-10-25. Review status: criteria provided, single submitter. Criteria: ACMG Guidelines, 2015. Collection method: clinical testing. Allele origin: germline.